The following is an entry in ClinVar:

NM_004132.5(HABP2):c.1373-199T>C

Gene: HABP2 (hyaluronan binding protein 2; plus strand). Cytogenetic location: 10q25.3.
Variant type: single nucleotide variant.
Coding change: c.1373-199T>C on transcript NM_004132.5 (MANE Select); 199 bases into the intron before coding-DNA position 1373, T replaced by C.
Genome position (GRCh38, 1-based): chr10:113,585,594, T>C. VCF-style: chr10-113585594-T-C. GRCh37 (hg19) VCF-style: chr10-115345353-T-C.
Other names: c.1295-199T>C (NM_001177660.3).
Identifiers: ClinVar variation 1691801 (VCV001691801.2), dbSNP rs149228430, ClinGen allele CA214439663.

ClinVar aggregate classification (germline): Likely benign (1 of 4 stars; one submission).

Allele frequency attached by ClinVar (database versions not stated): gnomAD 0.00327 and 0.00355; TOPMed 0.00360; 1000 Genomes Project 0.00459; 1000 Genomes Project 30x 0.00500.
gnomAD v4.1: 494 of 152,242 alleles (0.32%); highest among the groups gnomAD compares: African/African-American, 1%; 2 homozygotes.

Submission:

GeneDx
Classification: Likely benign. Last evaluated: 2021-12-20. Review status: criteria provided, single submitter. Criteria: GeneDx Variant Classification Process June 2021. Collection method: clinical testing. Allele origin: germline. Affected: yes.
Comment: See Variant Classification Assertion Criteria.